The following is an entry in ClinVar:

ClinVar aggregate classification (germline): Uncertain significance (1 of 4 stars; one submission).

Submission:

Labcorp Genetics (formerly Invitae), Labcorp
Classification: Uncertain significance. Last evaluated: 2025-07-13. Review status: criteria provided, single submitter. Criteria: Invitae Variant Classification Sherloc (09022015). Collection method: clinical testing. Allele origin: germline.
Comment: This sequence change replaces valine, which is neutral and non-polar, with alanine, which is neutral and non-polar, at codon 447 of the CDH2 protein (p.Val447Ala). This variant is not present in population databases (gnomAD no frequency). This variant has not been reported in the literature in individuals affected with CDH2-related conditions. An algorithm developed to predict the effect of missense changes on protein structure and function outputs the following: PolyPhen-2: "Benign". The alanine amino acid residue is found in multiple mammalian species, which suggests that this missense change does not adversely affect protein function. In summary, the available evidence is currently insufficient to determine the role of this variant in disease. Therefore, it has been classified as a Variant of Uncertain Significance.

NM_001792.5(CDH2):c.1340T>C (p.Val447Ala)

Gene: CDH2 (cadherin 2; minus strand). Cytogenetic location: 18q12.1.
Variant type: single nucleotide variant.
Coding change: c.1340T>C on transcript NM_001792.5 (MANE Select); coding-DNA position 1340, T replaced by C.
Protein change: p.Val447Ala; replaces valine 447 with alanine.
Molecular consequence: missense variant.
Genome position (GRCh38, 1-based): chr18:27,992,659, A>G on the plus strand (T>C on the coding strand, the complement: CDH2 is on the minus strand). VCF-style: chr18-27992659-A-G. GRCh37 (hg19) VCF-style: chr18-25572623-A-G.
Other names: c.1247T>C, p.Val416Ala (NM_001308176.2); short protein forms V416A, V447A.
Identifiers: ClinVar variation 4723059 (VCV004723059.1).
Genomic context (GRCh38, chr18:27,992,659, plus strand): 5'-ATATTGGTCCTTGCTGAGCAGCTGTTGGAGAGATCAGTGGCCCGAGGAACACTTACTTTG[A>G]CCACGGTGACTAACCCGTCGTTGCTGTTTGGGTCGGTCTGGATGGCGAACCGTCCAGTAG-3'
Protein context (NP_001783.2, residues 437-457): PNSNDGLVTV[Val447Ala]KPIDFETNRM